The following is an entry in ClinVar:

NM_003079.5(SMARCE1):c.8-3C>G

Gene: SMARCE1 (SWI/SNF related BAF chromatin remodeling complex subunit E1; minus strand). Cytogenetic location: 17q21.2.
Variant type: single nucleotide variant.
Coding change: c.8-3C>G on transcript NM_003079.5 (MANE Select); 3 bases into the intron before coding-DNA position 8, C replaced by G.
Molecular consequence: intron variant.
Genome position (GRCh38, 1-based): chr17:40,645,622, G>C on the plus strand (C>G on the coding strand, the complement: SMARCE1 is on the minus strand). VCF-style: chr17-40645622-G-C. GRCh37 (hg19) VCF-style: chr17-38801874-G-C.
Identifiers: ClinVar variation 2698894 (VCV002698894.3), dbSNP rs2508617566, ClinGen allele CA2697559850.

ClinVar aggregate classification (germline): Uncertain significance (1 of 4 stars; one submission).

Conditions:
Familial meningioma. Also called: Meningioma, familial, susceptibility to. Identifiers: Orphanet 263662, MedGen C3551915, MONDO:0011789, OMIM 607174.

Submission:

Labcorp Genetics (formerly Invitae), Labcorp
Classification: Uncertain significance for Familial meningioma. Last evaluated: 2023-11-25. Review status: criteria provided, single submitter. Criteria: Invitae Variant Classification Sherloc (09022015). Collection method: clinical testing. Allele origin: germline.
Comment: This sequence change falls in intron 2 of the SMARCE1 gene. It does not directly change the encoded amino acid sequence of the SMARCE1 protein. It affects a nucleotide within the consensus splice site. This variant is not present in population databases (gnomAD no frequency). This variant has not been reported in the literature in individuals affected with SMARCE1-related conditions. Variants that disrupt the consensus splice site are a relatively common cause of aberrant splicing (PMID: 17576681, 9536098). Algorithms developed to predict the effect of sequence changes on RNA splicing suggest that this variant may disrupt the consensus splice site. In summary, the available evidence is currently insufficient to determine the role of this variant in disease. Therefore, it has been classified as a Variant of Uncertain Significance.

Literature cited by the submitters: PubMed 17576681; PubMed 9536098.